The following is an entry in ClinVar:

NM_001267550.2(TTN):c.41703T>C (p.Thr13901=)

Gene: TTN (titin; minus strand). Cytogenetic location: 2q31.2.
Variant type: single nucleotide variant.
Coding change: c.41703T>C on transcript NM_001267550.2 (MANE Select); coding-DNA position 41703, T replaced by C.
Protein change: p.Thr13901=; no amino-acid change (threonine 13901 retained).
Molecular consequence: synonymous variant.
Genome position (GRCh38, 1-based): chr2:178,635,621, A>G on the plus strand (T>C on the coding strand, the complement: TTN is on the minus strand). VCF-style: chr2-178635621-A-G. GRCh37 (hg19) VCF-style: chr2-179500348-A-G.
Other names: c.36780T>C, p.Thr12260= (NM_001256850.1); c.14508T>C, p.Thr4836= (NM_003319.4); c.33999T>C, p.Thr11333= (NM_133378.4); c.14883T>C, p.Thr4961= (NM_133432.3); c.15084T>C, p.Thr5028= (NM_133437.4).
Identifiers: ClinVar variation 264603 (VCV000264603.51), dbSNP rs756282138, ClinGen allele CA1996218.

ClinVar aggregate classification (germline): Conflicting classifications of pathogenicity. Review status: criteria provided, conflicting classifications (1 of 4 stars). 12 submissions from 8 submitters: Uncertain significance (4); Benign (2); Likely benign (6). Last evaluated 2025-12-15.

Conditions:
TTN-related disorder. Also called: TTN-related disorders; TTN-related condition; TTN-related disease.
Cardiovascular phenotype. Identifiers: MedGen CN230736.
Autosomal recessive limb-girdle muscular dystrophy type 2J (LGMDR10). Also called: Limb-girdle muscular dystrophy, type 2J; MUSCULAR DYSTROPHY, LIMB-GIRDLE, AUTOSOMAL RECESSIVE 10. Identifiers: Orphanet 140922, MedGen C1837342, MONDO:0012127, OMIM 608807.
Dilated cardiomyopathy 1G (CMD1G). Identifiers: Orphanet 154, MedGen C1858763, MONDO:0011400, OMIM 604145.
Early-onset myopathy with fatal cardiomyopathy (CMYO5). Also called: Salih Myopathy; CONGENITAL MYOPATHY 5 WITH CARDIOMYOPATHY. Identifiers: Orphanet 289377, MedGen C2673677, MONDO:0012714, OMIM 611705. Disease mechanism: loss of function.
Myopathy, myofibrillar, 9, with early respiratory failure (MFM9). Also called: EDSTROM MYOPATHY; MYOPATHY, PROXIMAL, WITH EARLY RESPIRATORY MUSCLE INVOLVEMENT; Hereditary myopathy with early respiratory failure; Myopathy, distal, with early respiratory failure, autosomal dominant. Identifiers: Orphanet 178464, Orphanet 34521, MedGen C1863599, MONDO:0011362, OMIM 603689.
Tibial muscular dystrophy (TMD). Also called: Udd Distal Myopathy – Tibial Muscular Dystrophy; UDD MYOPATHY; Tibial muscular dystrophy, tardive. Identifiers: Orphanet 609, MedGen C1838244, MONDO:0010870, OMIM 600334.

Allele frequency attached by ClinVar (database versions not stated): gnomAD exomes 0.00001 and 0.00003; ExAC 0.00003; gnomAD 0.00003; TOPMed 0.00003.
gnomAD v4.1: 40 of 1,594,504 alleles (0.0025%); highest among the groups gnomAD compares: Non-Finnish European, 0.0033%; no homozygotes.

Submissions (12):

Labcorp Genetics (formerly Invitae), Labcorp
Classification: Likely benign for Dilated cardiomyopathy 1G; Autosomal recessive limb-girdle muscular dystrophy type 2J. Last evaluated: 2025-12-15. Review status: criteria provided, single submitter. Criteria: Invitae Variant Classification Sherloc (09022015). Collection method: clinical testing. Allele origin: germline.

PreventionGenetics, part of Exact Sciences
Classification: Likely benign for TTN-related condition. Last evaluated: 2025-12-05. Review status: criteria provided, single submitter. Criteria: ACMG Guidelines, 2015. Collection method: clinical testing. Allele origin: germline.
Comment: This variant is classified as likely benign based on ACMG/AMP sequence variant interpretation guidelines (Richards et al. 2015 PMID: 25741868, with internal and published modifications).

Blueprint Genetics
Classification: Likely benign. Last evaluated: 2024-09-24. Review status: criteria provided, single submitter. Criteria: ACMG Guidelines, 2015. Collection method: clinical testing. Allele origin: germline.

CeGaT Center for Human Genetics Tuebingen
Classification: Likely benign. Last evaluated: 2022-05-01. Review status: criteria provided, single submitter. Criteria: CeGaT Center For Human Genetics Tuebingen Variant Classification Criteria Version 2. Collection method: clinical testing. Allele origin: germline. Affected: yes. Observed: 1 variant allele.
Comment: TTN: BP4, BP7

Illumina Laboratory Services, Illumina
Classification: Benign for Tibial muscular dystrophy. Last evaluated: 2018-01-13. Review status: criteria provided, single submitter. Criteria: ICSL Variant Classification Criteria 13 December 2019. Collection method: clinical testing. Allele origin: germline.
Comment: This variant was observed in the ICSL laboratory as part of a predisposition screen in an ostensibly healthy population. It had not been previously curated by ICSL or reported in the Human Gene Mutation Database (HGMD: prior to June 1st, 2018), and was therefore a candidate for classification through an automated scoring system. Utilizing variant allele frequency, disease prevalence and penetrance estimates, and inheritance mode, an automated score was calculated to assess if this variant is too frequent to cause the disease. Based on the score and internal cut-off values, a variant classified as benign is not then subjected to further curation. The score for this variant resulted in a classification of benign for this disease.

Illumina Laboratory Services, Illumina
Classification: Uncertain significance for Dilated cardiomyopathy 1G. Last evaluated: 2018-01-13. Review status: criteria provided, single submitter. Criteria: ICSL Variant Classification Criteria 13 December 2019. Collection method: clinical testing. Allele origin: germline.

Illumina Laboratory Services, Illumina
Classification: Likely benign for Myopathy, myofibrillar, 9, with early respiratory failure. Last evaluated: 2018-01-13. Review status: criteria provided, single submitter. Criteria: ICSL Variant Classification Criteria 13 December 2019. Collection method: clinical testing. Allele origin: germline.
Comment: This variant was observed in the ICSL laboratory as part of a predisposition screen in an ostensibly healthy population. It had not been previously curated by ICSL or reported in the Human Gene Mutation Database (HGMD: prior to June 1st, 2018), and was therefore a candidate for classification through an automated scoring system. Utilizing variant allele frequency, disease prevalence and penetrance estimates, and inheritance mode, an automated score was calculated to assess if this variant is too frequent to cause the disease. Based on the score and internal cut-off values, a variant classified as likely benign is not then subjected to further curation. The score for this variant resulted in a classification of likely benign for this disease.

Illumina Laboratory Services, Illumina
Classification: Uncertain significance for Autosomal recessive limb-girdle muscular dystrophy type 2J. Last evaluated: 2018-01-13. Review status: criteria provided, single submitter. Criteria: ICSL Variant Classification Criteria 13 December 2019. Collection method: clinical testing. Allele origin: germline.

Illumina Laboratory Services, Illumina
Classification: Uncertain significance for Early-onset myopathy with fatal cardiomyopathy. Last evaluated: 2018-01-13. Review status: criteria provided, single submitter. Criteria: ICSL Variant Classification Criteria 13 December 2019. Collection method: clinical testing. Allele origin: germline.

Eurofins Ntd Llc (ga)
Classification: Uncertain significance. Last evaluated: 2017-06-20. Review status: criteria provided, single submitter. Criteria: EGL Classification Definitions 2015. Collection method: clinical testing. Allele origin: germline. Observed: 1 variant allele, 1 heterozygote.

Ambry Genetics
Classification: Likely benign for Cardiovascular phenotype. Last evaluated: 2015-12-20. Review status: criteria provided, single submitter. Criteria: Ambry Variant Classification Scheme 2023. Collection method: clinical testing. Allele origin: germline.

GeneDx
Classification: Benign. Last evaluated: 2015-08-13. Review status: criteria provided, single submitter. Criteria: GeneDx Variant Classification Process June 2021. Collection method: clinical testing. Allele origin: germline. Affected: yes.